The following is an entry in ClinVar:

NM_018109.4(MTPAP):c.1278T>C (p.Ser426=)

Gene: MTPAP (mitochondrial poly(A) polymerase; minus strand). Cytogenetic location: 10p11.23.
Variant type: single nucleotide variant.
Coding change: c.1278T>C on transcript NM_018109.4 (MANE Select); coding-DNA position 1278, T replaced by C.
Protein change: p.Ser426=; no amino-acid change (serine 426 retained).
Molecular consequence: synonymous variant.
Genome position (GRCh38, 1-based): chr10:30,316,152, A>G on the plus strand (T>C on the coding strand, the complement: MTPAP is on the minus strand). VCF-style: chr10-30316152-A-G. GRCh37 (hg19) VCF-style: chr10-30605081-A-G.
Identifiers: ClinVar variation 378179 (VCV000378179.14), dbSNP rs147355590, ClinGen allele CA5458992.

ClinVar aggregate classification (germline): Benign/Likely benign. Review status: criteria provided, multiple submitters, no conflicts (2 of 4 stars). 4 submissions from 4 submitters: Benign (2); Likely benign (1). 1 of the submissions does not count toward it. Last evaluated 2025-12-01.

Conditions:
MTPAP-related disorder. Also called: MTPAP-related condition.

Allele frequency attached by ClinVar (database versions not stated): gnomAD exomes 0.00004 and 0.00015; ExAC 0.00021; ESP Exome Variant Server 0.00023; 1000 Genomes Project 30x 0.00031; 1000 Genomes Project 0.00040; gnomAD 0.00050 and 0.00055; TOPMed 0.00066.
gnomAD v4.1: 134 of 1,614,016 alleles (0.0083%); highest among the groups gnomAD compares: African/African-American, 0.16%; no homozygotes.

Submissions (4):

Labcorp Genetics (formerly Invitae), Labcorp
Classification: Likely benign. Last evaluated: 2025-12-01. Review status: criteria provided, single submitter. Criteria: Invitae Variant Classification Sherloc (09022015). Collection method: clinical testing. Allele origin: germline.

Athena Diagnostics
Classification: Benign. Last evaluated: 2020-01-15. Review status: criteria provided, single submitter. Criteria: Athena Diagnostics Criteria. Collection method: clinical testing. Allele origin: unknown.

GeneDx
Classification: Benign. Last evaluated: 2015-09-01. Review status: criteria provided, single submitter. Criteria: GeneDx Variant Classification (06012015). Collection method: clinical testing. Allele origin: germline. Affected: yes.
Comment: This variant is considered likely benign or benign based on one or more of the following criteria: it is a conservative change, it occurs at a poorly conserved position in the protein, it is predicted to be benign by multiple in silico algorithms, and/or has population frequency not consistent with disease.

PreventionGenetics, part of Exact Sciences
Classification: Likely benign for MTPAP-related condition. Last evaluated: 2019-08-13. Review status: no assertion criteria provided. Collection method: clinical testing. Allele origin: germline. Not counted in ClinVar's aggregate classification.
Comment: This variant is classified as likely benign based on ACMG/AMP sequence variant interpretation guidelines (Richards et al. 2015 PMID: 25741868, with internal and published modifications).